The following is an entry in ClinVar:

NM_002291.3(LAMB1):c.2603A>T (p.Gln868Leu)

Gene: LAMB1 (laminin subunit beta 1; minus strand). Cytogenetic location: 7q31.1.
Variant type: single nucleotide variant.
Coding change: c.2603A>T on transcript NM_002291.3 (MANE Select); coding-DNA position 2603, A replaced by T.
Protein change: p.Gln868Leu; replaces glutamine 868 with leucine.
Molecular consequence: missense variant.
Genome position (GRCh38, 1-based): chr7:107,959,336, T>A on the plus strand (A>T on the coding strand, the complement: LAMB1 is on the minus strand). VCF-style: chr7-107959336-T-A. GRCh37 (hg19) VCF-style: chr7-107599781-T-A.
Other names: c.2603A>T (NM_002291.2); short protein forms Q868L.
Identifiers: ClinVar variation 1395479 (VCV001395479.7), dbSNP rs1372379966, ClinGen allele CA368866964.
Genomic context (GRCh38, chr7:107,959,336, plus strand): 5'-TCCTGGCAGTTCAAGCACTCCCCAGTCACTGGGTCGCAGTCATCGGCGTGGCCATTGCAC[T>A]GGCAGGGCTGGCAACTTGGAAAGCCCCAGTGCCCAGGTAAGCACCGATCACACTGCCGAG-3'
Protein context (NP_002282.2, residues 858-878): HWGFPSCQPC[Gln868Leu]CNGHADDCDP

ClinVar aggregate classification (germline): Uncertain significance. Review status: criteria provided, multiple submitters, no conflicts (2 of 4 stars). 2 submissions from 2 submitters: Uncertain significance (2). Last evaluated 2023-12-20.

Conditions:
Inborn genetic diseases. Identifiers: MedGen C0950123, MeSH D030342.

Allele frequency attached by ClinVar (database versions not stated): gnomAD 0.00001; gnomAD exomes 0.00001; TOPMed 0.00001.

Submissions (2):

Ambry Genetics
Classification: Uncertain significance for Inborn genetic diseases. Last evaluated: 2023-12-20. Review status: criteria provided, single submitter. Criteria: Ambry Variant Classification Scheme 2023. Collection method: clinical testing. Allele origin: germline.

Labcorp Genetics (formerly Invitae), Labcorp
Classification: Uncertain significance. Last evaluated: 2021-10-29. Review status: criteria provided, single submitter. Criteria: Invitae Variant Classification Sherloc (09022015). Collection method: clinical testing. Allele origin: germline.
Comment: In summary, the available evidence is currently insufficient to determine the role of this variant in disease. Therefore, it has been classified as a Variant of Uncertain Significance. Algorithms developed to predict the effect of missense changes on protein structure and function are either unavailable or do not agree on the potential impact of this missense change (SIFT: "Deleterious"; PolyPhen-2: "Benign"; Align-GVGD: "Class C65"). This variant has not been reported in the literature in individuals affected with LAMB1-related conditions. This variant is not present in population databases (gnomAD no frequency). This sequence change replaces glutamine, which is neutral and polar, with leucine, which is neutral and non-polar, at codon 868 of the LAMB1 protein (p.Gln868Leu).